The following is an entry in ClinVar:

NM_001003694.2(BRPF1):c.572C>A (p.Ala191Asp)

Gene: BRPF1 (bromodomain and PHD finger containing 1; plus strand). Cytogenetic location: 3p25.3.
Variant type: single nucleotide variant.
Coding change: c.572C>A on transcript NM_001003694.2 (MANE Select); coding-DNA position 572, C replaced by A.
Protein change: p.Ala191Asp; replaces alanine 191 with aspartic acid.
Molecular consequence: missense variant. On other transcripts: non-coding transcript variant (1).
Genome position (GRCh38, 1-based): chr3:9,734,712, C>A. VCF-style: chr3-9734712-C-A. GRCh37 (hg19) VCF-style: chr3-9776396-C-A.
Other names: c.572C>A, p.Ala191Asp (NM_001319049.2, NM_001319050.2, NM_001410704.1 and 1 more transcripts); short protein forms A191D.
Identifiers: ClinVar variation 3776703 (VCV003776703.1).

ClinVar aggregate classification (germline): Uncertain significance (1 of 4 stars; one submission).

Submission:

GeneDx
Classification: Uncertain significance. Last evaluated: 2024-10-03. Review status: criteria provided, single submitter. Criteria: GeneDx Variant Classification Process June 2021. Collection method: clinical testing. Allele origin: germline. Affected: yes.
Comment: Not observed at significant frequency in large population cohorts (gnomAD); In silico analysis supports that this missense variant has a deleterious effect on protein structure/function; Has not been previously published as pathogenic or benign to our knowledge